The following is an entry in ClinVar:

NM_006231.4(POLE):c.3594C>T (p.Ala1198=)

Gene: POLE (DNA polymerase epsilon, catalytic subunit; minus strand). Cytogenetic location: 12q24.33.
Variant type: single nucleotide variant.
Coding change: c.3594C>T on transcript NM_006231.4 (MANE Select); coding-DNA position 3594, C replaced by T.
Protein change: p.Ala1198=; no amino-acid change (alanine 1198 retained).
Molecular consequence: synonymous variant.
Genome position (GRCh38, 1-based): chr12:132,649,878, G>A on the plus strand (C>T on the coding strand, the complement: POLE is on the minus strand). VCF-style: chr12-132649878-G-A. GRCh37 (hg19) VCF-style: chr12-133226464-G-A.
Identifiers: ClinVar variation 473607 (VCV000473607.22), dbSNP rs200803943, ClinGen allele CA6893161.
Genomic context (GRCh38, chr12:132,649,878, plus strand): 5'-TACGAGGCCGAAGTCCTCCATGTCAGGAGCACTTGGCCTCGGACTGTCTTCTGAGGCCTC[G>A]GCCATCGTGACCTGGAAAGACCCAGTGAAGCCTTAAATCTCAGGATCTCGGGCTGCGCAG-3'
Protein context (NP_006222.2, residues 1188-1208): TLEGRRQVTM[Ala1198=]EASEDSPRPS

ClinVar aggregate classification (germline): Benign/Likely benign. Review status: criteria provided, multiple submitters, no conflicts (2 of 4 stars). 5 submissions from 5 submitters: Benign (1); Likely benign (3). 1 of the submissions does not count toward it. Last evaluated 2026-02-01.

Conditions:
Hereditary cancer-predisposing syndrome. Also called: Hereditary neoplastic syndrome; Tumor predisposition; Neoplastic Syndromes, Hereditary; Hereditary Cancer Syndrome. Identifiers: Orphanet 140162, MedGen C0027672, MeSH D009386, MONDO:0015356.
POLE-related disorder. Also called: POLE-related disorders; POLE-related condition.

Allele frequency attached by ClinVar (database versions not stated): gnomAD 0.00001 and 0.00002; TOPMed 0.00001; gnomAD exomes 0.00002 and 0.00007; ExAC 0.00003; 1000 Genomes Project 30x 0.00016; 1000 Genomes Project 0.00020.
gnomAD v4.1: 37 of 1,613,802 alleles (0.0023%); highest among the groups gnomAD compares: Admixed American, 0.022%; no homozygotes.

Submissions (5):

CeGaT Center for Human Genetics Tuebingen
Classification: Likely benign. Last evaluated: 2026-02-01. Review status: criteria provided, single submitter. Criteria: CeGaT Center For Human Genetics Tuebingen Variant Classification Criteria Version 2. Collection method: clinical testing. Allele origin: germline. Affected: yes. Observed: 1 variant allele.
Comment: POLE: BP4, BP7

Labcorp Genetics (formerly Invitae), Labcorp
Classification: Likely benign. Last evaluated: 2025-10-29. Review status: criteria provided, single submitter. Criteria: Invitae Variant Classification Sherloc (09022015). Collection method: clinical testing. Allele origin: germline.

Quest Diagnostics Nichols Institute San Juan Capistrano
Classification: Benign. Last evaluated: 2020-01-02. Review status: criteria provided, single submitter. Criteria: Quest Diagnostics criteria. Collection method: clinical testing. Allele origin: unknown.

Ambry Genetics
Classification: Likely benign for Hereditary cancer-predisposing syndrome. Last evaluated: 2017-06-08. Review status: criteria provided, single submitter. Criteria: Ambry Variant Classification Scheme 2023. Collection method: clinical testing. Allele origin: germline.

PreventionGenetics, part of Exact Sciences
Classification: Likely benign for POLE-related condition. Last evaluated: 2019-06-28. Review status: no assertion criteria provided. Collection method: clinical testing. Allele origin: germline. Not counted in ClinVar's aggregate classification.
Comment: This variant is classified as likely benign based on ACMG/AMP sequence variant interpretation guidelines (Richards et al. 2015 PMID: 25741868, with internal and published modifications).